The following is an entry in ClinVar:

ClinVar aggregate classification (germline): Uncertain significance. Review status: criteria provided, multiple submitters, no conflicts (2 of 4 stars). 3 submissions from 3 submitters: Uncertain significance (3). Last evaluated 2025-08-20.

Conditions:
THBD-related disorder. Also called: THBD-related condition.
Inborn genetic diseases. Identifiers: MedGen C0950123, MeSH D030342.

Submissions (3):

Ambry Genetics
Classification: Uncertain significance for Inborn genetic diseases. Last evaluated: 2025-08-20. Review status: criteria provided, single submitter. Criteria: Ambry Variant Classification Scheme 2023. Collection method: clinical testing. Allele origin: germline.

PreventionGenetics, part of Exact Sciences
Classification: Uncertain significance for THBD-related condition. Last evaluated: 2024-12-23. Review status: criteria provided, single submitter. Criteria: ACMG Guidelines, 2015. Collection method: clinical testing. Allele origin: germline.
Comment: The THBD c.927G>C variant is predicted to result in the amino acid substitution p.Met309Ile. To our knowledge, this variant has not been reported in the literature. This variant is reported in 0.00090% of alleles in individuals of European (Non-Finnish) descent in gnomAD. At this time, the clinical significance of this variant is uncertain due to the absence of conclusive functional and genetic evidence.

Labcorp Genetics (formerly Invitae), Labcorp
Classification: Uncertain significance. Last evaluated: 2024-03-27. Review status: criteria provided, single submitter. Criteria: Invitae Variant Classification Sherloc (09022015). Collection method: clinical testing. Allele origin: germline.
Comment: This sequence change replaces methionine, which is neutral and non-polar, with isoleucine, which is neutral and non-polar, at codon 309 of the THBD protein (p.Met309Ile). This variant is present in population databases (rs770475923, gnomAD 0.0009%). This variant has not been reported in the literature in individuals affected with THBD-related conditions. Advanced modeling of protein sequence and biophysical properties (such as structural, functional, and spatial information, amino acid conservation, physicochemical variation, residue mobility, and thermodynamic stability) performed at Invitae indicates that this missense variant is not expected to disrupt THBD protein function with a negative predictive value of 80%. In summary, the available evidence is currently insufficient to determine the role of this variant in disease. Therefore, it has been classified as a Variant of Uncertain Significance.

NM_000361.3(THBD):c.927G>C (p.Met309Ile)

Gene: THBD (thrombomodulin; minus strand). Cytogenetic location: 20p11.21.
Variant type: single nucleotide variant.
Coding change: c.927G>C on transcript NM_000361.3 (MANE Select); coding-DNA position 927, G replaced by C.
Protein change: p.Met309Ile; replaces methionine 309 with isoleucine.
Molecular consequence: missense variant.
Genome position (GRCh38, 1-based): chr20:23,048,578, C>G on the plus strand (G>C on the coding strand, the complement: THBD is on the minus strand). VCF-style: chr20-23048578-C-G. GRCh37 (hg19) VCF-style: chr20-23029215-C-G.
Other names: short protein forms M309I.
Identifiers: ClinVar variation 3617744 (VCV003617744.4).